The following is an entry in ClinVar:

ClinVar aggregate classification (germline): Pathogenic/Likely pathogenic. Review status: criteria provided, multiple submitters, no conflicts (2 of 4 stars). 6 submissions from 6 submitters: Pathogenic (1); Likely pathogenic (3). 2 of the submissions do not count toward it. Last evaluated 2026-03-09.

Conditions:
Cardiovascular phenotype. Identifiers: MedGen CN230736.
TTN-related disorder. Also called: TTN-related disorders; TTN-related condition; TTN-related disease.
Dilated cardiomyopathy 1G (CMD1G). Identifiers: Orphanet 154, MedGen C1858763, MONDO:0011400, OMIM 604145.
Autosomal recessive limb-girdle muscular dystrophy type 2J (LGMDR10). Also called: Limb-girdle muscular dystrophy, type 2J; MUSCULAR DYSTROPHY, LIMB-GIRDLE, AUTOSOMAL RECESSIVE 10. Identifiers: Orphanet 140922, MedGen C1837342, MONDO:0012127, OMIM 608807.

gnomAD v4.1: 12 of 1,613,616 alleles (0.00074%); highest among the groups gnomAD compares: South Asian, 0.0011%; no homozygotes.

Submissions (6):

GeneDx
Classification: Likely pathogenic. Last evaluated: 2026-03-09. Review status: criteria provided, single submitter. Criteria: GeneDx Variant Classification Process June 2021. Collection method: clinical testing. Allele origin: germline.
Comment: Not observed at significant frequency in large population cohorts (gnomAD); Nonsense variant predicted to result in protein truncation or nonsense mediated decay in a gene for which loss of function is a known mechanism of disease; This variant is associated with the following publications: (PMID: 22335739, 32778822, 31691645, 35177841, 36264615, 39472908, 37461109, 33996946, 39844436)

Labcorp Genetics (formerly Invitae), Labcorp
Classification: Likely pathogenic for Dilated cardiomyopathy 1G; Autosomal recessive limb-girdle muscular dystrophy type 2J. Last evaluated: 2025-12-29. Review status: criteria provided, single submitter. Criteria: Invitae Variant Classification Sherloc (09022015). Collection method: clinical testing. Allele origin: germline.
Comment: This sequence change creates a premature translational stop signal (p.Arg28423*) in the TTN gene. While this is not anticipated to result in nonsense mediated decay, it is expected to create a truncated TTN protein. This variant is present in population databases (rs769664554, gnomAD 0.003%). This premature translational stop signal has been observed in individual(s) with dilated cardiomyopathy (PMID: 33996946, 37461109, 39472908, 39844436; internal data). This variant is also known as c.C80344T (p.R26782X). ClinVar contains an entry for this variant (Variation ID: 853671). This variant is located in the A band of TTN (PMID: 25589632). Truncating variants in this region are significantly overrepresented in patients affected with dilated cardiomyopathy (PMID: 25589632). Truncating variants in this region have also been reported in individuals affected with autosomal recessive centronuclear myopathy (PMID: 23975875). In summary, the currently available evidence indicates that the variant is pathogenic, but additional data are needed to prove that conclusively. Therefore, this variant has been classified as Likely Pathogenic.

Ambry Genetics
Classification: Likely pathogenic for Cardiovascular phenotype. Last evaluated: 2025-11-20. Review status: criteria provided, single submitter. Criteria: Ambry Variant Classification Scheme 2023. Collection method: clinical testing. Allele origin: germline.
Comment: The p.R19358* variant (also known as c.58072C>T), located in coding exon 153 of the TTN gene, results from a C to T substitution at nucleotide position 58072. This changes the amino acid from an arginine to a stop codon within coding exon 153. This exon is located in the A-band region of the N2-B isoform of the titin protein and is constitutively expressed in TTN transcripts (percent spliced in or PSI 100%). This variant was reported in individual(s) with features consistent with dilated cardiomyopathy (Xiao L et al. Front Cardiovasc Med. 2021 Apr;8:657689; Lian H et al. J Transl Med. 2023 Jul;21(1):476). Note, this variant is also referred to as NM_001256850:p.R26782X (c.80344C>T) and NM_001267550:p.R28423X (c.85267C>T) in the literature. This variant is expected to result in loss of function by premature protein truncation or nonsense-mediated mRNA decay. While truncating variants in TTN are present in 1-3% of the general population, truncating variants in the A-band are the most common cause of dilated cardiomyopathy (Herman DS et al. N. Engl. J. Med., 2012 Feb;366:619-28; Roberts AM et al. Sci Transl Med, 2015 Jan;7:270ra6). TTN truncating variants encoded in constitutive exons (PSI >90%) have been found to be significantly associated with DCM regardless of their position in titin (Schafer S et al. Nat. Genet., 2017 01;49:46-53; Akhtar MM et al. Circ Heart Fail, 2020 Oct;13:e006832; Massier M et al. Clin Genet, 2025 Jan). Based on the majority of available evidence to date, this variant is likely to be pathogenic.

Molecular Diagnostic Laboratory for Inherited Cardiovascular Disease, Montreal Heart Institute
Classification: Pathogenic for Cardiovascular phenotype. Last evaluated: 2024-04-30. Review status: criteria provided, single submitter. Criteria: ACMG Guidelines, 2015. Collection method: clinical testing. Allele origin: germline. Affected: yes.
Comment: PVS1, PM2, PS4_supp

PreventionGenetics, part of Exact Sciences
Classification: Likely pathogenic for TTN-related condition. Last evaluated: 2024-03-23. Review status: no assertion criteria provided. Collection method: clinical testing. Allele origin: germline. Not counted in ClinVar's aggregate classification.
Comment: The TTN c.85267C>T variant is predicted to result in premature protein termination (p.Arg28423*). This variant was reported in five individuals with dilated cardiomyopathy (Table S IV, reported as chr2:178560865 in Bourfiss et al. 2022. PubMed ID: 36264615). The c.85267C>T variant is located in the A-band region of the TTN protein and several other premature stop variants in this exon have previously been reported to be pathogenic for recessive and dominant TTN-related disorders including dilated cardiomyopathy, centronuclear myopathy, and muscular dystrophy (Human Gene Mutation Database). RNAseq studies from heart tissue indicate this exon is commonly included in TTN mRNA transcripts (PSI of 95-100%; Roberts A.M. et al. 2015. PMID: 25589632). TTN truncating variants are reported in 1-2% of presumably healthy individuals and occur more frequently in exons with low PSI values, indicating this variant is more likely to be disease causing (Roberts A.M. et al. 2015. PMID: 25589632; Herman D.S. et al. 2012. PMID: 22335739). Many cases of recessive TTN-related myopathies in which the individual is compound heterozygous for two loss of function variants in TTN have also been reported (See Ceyhan-Birsoy O. et al. 2013. PMID: 23975875; Chauveau C et al. 2014. PMID: 24105469; Evilä A et al. 2016. PMID: 27796757; Ge et al. 2019. PubMed ID: 31053406). This variant is reported in 0.0033% of alleles in individuals of South Asian descent in gnomAD. In summary, the c.85267C>T, p.Arg28423* variant is pathogenic for both autosomal recessive and dominant TTN-related disorders. Of note, this variant is considered pathogenic for increased risk of TTN-related cardiac disorders, and also for autosomal recessive severe congenital titinopathies when in the presence of an additional loss-of-function TTN variant.

Cardiogenetics and Myogenetics Molecular and Cellular Functional Unit, Aphp Sorbonne University-Hopital Pitie Salpetriere
Classification: Likely pathogenic for Dilated cardiomyopathy 1G. Last evaluated: 2024-01-06. Review status: no assertion criteria provided. Collection method: clinical testing. Allele origin: germline. Affected: yes. Not counted in ClinVar's aggregate classification.

Literature cited by the submitters: PubMed 33996946 (cited by Labcorp Genetics (formerly Invitae), Labcorp and Ambry Genetics); PubMed 37461109 (cited by Labcorp Genetics (formerly Invitae), Labcorp and Ambry Genetics); PubMed 39472908 (cited by Labcorp Genetics (formerly Invitae), Labcorp); PubMed 39844436 (cited by Labcorp Genetics (formerly Invitae), Labcorp); PubMed 25589632 (cited by Labcorp Genetics (formerly Invitae), Labcorp); PubMed 23975875 (cited by Labcorp Genetics (formerly Invitae), Labcorp).

NM_001267550.2(TTN):c.85267C>T (p.Arg28423Ter)

Genes: TTN (titin; minus strand), TTN-AS1 (TTN antisense RNA 1; plus strand). Cytogenetic location: 2q31.2.
Variant type: single nucleotide variant.
Coding change: c.85267C>T on transcript NM_001267550.2 (MANE Select); coding-DNA position 85267, C replaced by T.
Protein change: p.Arg28423Ter; replaces arginine 28423 with a stop codon.
Molecular consequence: nonsense.
Genome position (GRCh38, 1-based): chr2:178,560,865, G>A on the plus strand (C>T on the coding strand, the complement: TTN is on the minus strand). VCF-style: chr2-178560865-G-A. GRCh37 (hg19) VCF-style: chr2-179425592-G-A.
Other names: c.80344C>T, p.Arg26782Ter (NM_001256850.1); c.58072C>T, p.Arg19358Ter (NM_003319.4); c.77563C>T, p.Arg25855Ter (NM_133378.4); c.58447C>T, p.Arg19483Ter (NM_133432.3); c.58648C>T, p.Arg19550Ter (NM_133437.4); c.85267C>T (NM_001267550.1); short protein forms R26782*, R19550*, R19358*, R25855*, R28423*, R19483*.
Identifiers: ClinVar variation 853671 (VCV000853671.16), dbSNP rs769664554, ClinGen allele CA1988673.
Genomic context (GRCh38, chr2:178,560,865, plus strand): 5'-CGGCCACAGACCGAGTGCCGGCAACATTCTTCAGTGTTAGTACATATTGCCCAGTGTCTC[G>A]TCTTATACAGTCTTTAACTGTTAACAAAGTATGATTGTCTGTTGAGATGATTTCTGTTCT-3'